The following is an entry in ClinVar:

NM_144999.4(LRRC45):c.519C>T (p.Thr173=)

Gene: LRRC45 (leucine rich repeat containing 45; plus strand). Cytogenetic location: 17q25.3.
Variant type: single nucleotide variant.
Coding change: c.519C>T on transcript NM_144999.4 (MANE Select); coding-DNA position 519, C replaced by T.
Protein change: p.Thr173=; no amino-acid change (threonine 173 retained).
Molecular consequence: synonymous variant.
Genome position (GRCh38, 1-based): chr17:82,025,165, C>T. VCF-style: chr17-82025165-C-T. GRCh37 (hg19) VCF-style: chr17-79983041-C-T.
Identifiers: ClinVar variation 5002295 (VCV005002295.1).

ClinVar aggregate classification (germline): Likely benign (1 of 4 stars; one submission).

Conditions:
LRRC45-related disorder. Also called: LRRC45-related condition.

gnomAD v4.1: 19 of 1,597,514 alleles (0.0012%); highest among the groups gnomAD compares: Non-Finnish European, 0.0016%; no homozygotes.

Submission:

PreventionGenetics, part of Exact Sciences
Classification: Likely benign for LRRC45-related condition. Last evaluated: 2025-08-01. Review status: criteria provided, single submitter. Criteria: ACMG Guidelines, 2015. Collection method: clinical testing. Allele origin: germline.
Comment: This variant is classified as likely benign based on ACMG/AMP sequence variant interpretation guidelines (Richards et al. 2015 PMID: 25741868, with internal and published modifications).